The following is an entry in ClinVar:

NM_024642.5(GALNT12):c.579A>G (p.Gly193=)

Gene: GALNT12 (polypeptide N-acetylgalactosaminyltransferase 12; plus strand). Cytogenetic location: 9q22.33.
Variant type: single nucleotide variant.
Coding change: c.579A>G on transcript NM_024642.5 (MANE Select); coding-DNA position 579, A replaced by G.
Protein change: p.Gly193=; no amino-acid change (glycine 193 retained).
Molecular consequence: synonymous variant.
Genome position (GRCh38, 1-based): chr9:98,826,789, A>G. VCF-style: chr9-98826789-A-G. GRCh37 (hg19) VCF-style: chr9-101589071-A-G.
Identifiers: ClinVar variation 416209 (VCV000416209.27), dbSNP rs146370762, ClinGen allele CA5153993.

ClinVar aggregate classification (germline): Benign/Likely benign. Review status: criteria provided, multiple submitters, no conflicts (2 of 4 stars). 8 submissions from 8 submitters: Benign (4); Likely benign (3). 1 of the submissions does not count toward it. Last evaluated 2026-04-23.

Conditions:
GALNT12-related disorder. Also called: GALNT12-related condition.
Colorectal cancer, susceptibility to, 1. Also called: COLORECTAL ADENOMA AND CANCER, SUSCEPTIBILITY TO; COLORECTAL CANCER, SUSCEPTIBILITY TO, ON CHROMOSOME 9. Identifiers: MedGen C1837315, MONDO:0012132, OMIM 608812.

Allele frequency attached by ClinVar (database versions not stated): 1000 Genomes Project 30x 0.00562; 1000 Genomes Project 0.00539; ESP Exome Variant Server 0.00584; ExAC 0.00201; gnomAD 0.00564 and 0.00613; TOPMed 0.00675.
gnomAD v4.1: 1,755 of 1,611,966 alleles (0.11%); highest among the groups gnomAD compares: African/African-American, 2%; 15 homozygotes.

Submissions (8):

Myriad Genetics, Inc.
Classification: Benign for Colorectal cancer, susceptibility to, 1. Last evaluated: 2026-04-23. Review status: criteria provided, single submitter. Criteria: Myriad Autosomal Dominant, Autosomal Recessive and X-Linked Classification Criteria (2023). Collection method: clinical testing. Allele origin: unknown.
Comment: This variant is considered benign. This variant is a silent/synonymous amino acid change and it is not expected to impact splicing.

Labcorp Genetics (formerly Invitae), Labcorp
Classification: Benign. Last evaluated: 2026-02-01. Review status: criteria provided, single submitter. Criteria: Invitae Variant Classification Sherloc (09022015). Collection method: clinical testing. Allele origin: germline.

Quest Diagnostics Nichols Institute San Juan Capistrano
Classification: Benign. Last evaluated: 2025-08-19. Review status: criteria provided, single submitter. Criteria: Quest Diagnostics criteria. Collection method: clinical testing. Allele origin: unknown.

Genetic Services Laboratory, University of Chicago
Classification: Benign. Last evaluated: 2021-11-30. Review status: criteria provided, single submitter. Criteria: ACMG Guidelines, 2015. Collection method: clinical testing. Allele origin: germline. Affected: no.

GeneDx
Classification: Likely benign. Last evaluated: 2021-03-12. Review status: criteria provided, single submitter. Criteria: GeneDx Variant Classification Process June 2021. Collection method: clinical testing. Allele origin: germline. Affected: yes.

Ambry Genetics
Classification: Likely benign. Last evaluated: 2016-08-19. Review status: criteria provided, single submitter. Criteria: Ambry Variant Classification Scheme 2023. Collection method: clinical testing. Allele origin: germline.

Breakthrough Genomics
Classification: Likely benign. Review status: criteria provided, single submitter. Criteria: ACMG Guidelines, 2015. Collection method: not provided. Allele origin: germline. Inheritance: Unknown mechanism. Affected: yes.

PreventionGenetics, part of Exact Sciences
Classification: Benign for GALNT12-related condition. Last evaluated: 2020-02-21. Review status: no assertion criteria provided. Collection method: clinical testing. Allele origin: germline. Not counted in ClinVar's aggregate classification.
Comment: This variant is classified as benign based on ACMG/AMP sequence variant interpretation guidelines (Richards et al. 2015 PMID: 25741868, with internal and published modifications).